The following is an entry in ClinVar:

NM_033159.4(HYAL1):c.1264C>A (p.Pro422Thr)

Gene: HYAL1 (hyaluronidase 1; minus strand). Cytogenetic location: 3p21.31.
Variant type: single nucleotide variant.
Coding change: c.1264C>A on transcript NM_033159.4 (MANE Select); coding-DNA position 1264, C replaced by A.
Protein change: p.Pro422Thr; replaces proline 422 with threonine.
Molecular consequence: missense variant. On other transcripts: non-coding transcript variant (1).
Genome position (GRCh38, 1-based): chr3:50,300,527, G>T on the plus strand (C>A on the coding strand, the complement: HYAL1 is on the minus strand). VCF-style: chr3-50300527-G-T. GRCh37 (hg19) VCF-style: chr3-50337958-G-T.
Other names: c.1264C>A, p.Pro422Thr (NM_007312.3, NM_153281.2); c.1174C>A, p.Pro392Thr (NM_153282.3); c.718C>A, p.Pro240Thr (NM_153283.3); c.487C>A, p.Pro163Thr (NM_153285.3); short protein forms P422T, P240T, P392T, P163T.
Identifiers: ClinVar variation 2147871 (VCV002147871.2), dbSNP rs147470097, ClinGen allele CA2415698.
Genomic context (GRCh38, chr3:50,300,527, plus strand): 5'-CTCAGTGTGTGGCCAATCACCACATGCTCTTCCGCTCACACCACGGTGCCTGCCAGCCAG[G>T]GTAGCATCGACATTTGAACTCCACAGCCATCTGTGCCTGATCTTCAAGTGAGAGGGCACC-3'
Protein context (NP_149349.2, residues 412-432): MAVEFKCRCY[Pro422Thr]GWQAPWCERK

ClinVar aggregate classification (germline): Uncertain significance. Review status: criteria provided, multiple submitters, no conflicts (2 of 4 stars). 2 submissions from 2 submitters: Uncertain significance (2). Last evaluated 2025-12-26.

Conditions:
Deficiency of hyaluronoglucosaminidase (MPS9). Also called: Mucopolysaccharidosis type 9; HYALURONIDASE DEFICIENCY; MPS IX. Identifiers: Orphanet 67041, MedGen C1291490, MONDO:0011093, OMIM 601492.

Allele frequency attached by ClinVar (database versions not stated): gnomAD exomes below 0.00001; ExAC 0.00001; gnomAD 0.00001; TOPMed 0.00003; ESP Exome Variant Server 0.00008.

Submissions (2):

Women's Health and Genetics/Laboratory Corporation of America, LabCorp
Classification: Uncertain significance. Last evaluated: 2025-12-26. Review status: criteria provided, single submitter. Criteria: LabCorp Variant Classification Summary - May 2015. Collection method: clinical testing. Allele origin: germline.
Comment: Variant summary: HYAL1 c.1264C>A (p.Pro422Thr) results in a non-conservative amino acid change in the encoded protein sequence. Algorithms developed to predict the effect of missense changes on protein structure and function are either unavailable or do not agree on the potential impact of this missense change. The variant allele was found at a frequency of 4e-06 in 251446 control chromosomes. The available data on variant occurrences in the general population are insufficient to allow any conclusion about variant significance. To our knowledge, no occurrence of c.1264C>A in individuals affected with HYAL1-related conditions and no experimental evidence demonstrating its impact on protein function have been reported. ClinVar contains an entry for this variant (Variation ID: 2147871). Based on the evidence outlined above, the variant was classified as uncertain significance.

Labcorp Genetics (formerly Invitae), Labcorp
Classification: Uncertain significance for Deficiency of hyaluronoglucosaminidase. Last evaluated: 2021-08-30. Review status: criteria provided, single submitter. Criteria: Invitae Variant Classification Sherloc (09022015). Collection method: clinical testing. Allele origin: germline.
Comment: This sequence change replaces proline with threonine at codon 422 of the HYAL1 protein (p.Pro422Thr). The proline residue is weakly conserved and there is a small physicochemical difference between proline and threonine. This variant is present in population databases (rs147470097, ExAC 0.01%). This variant has not been reported in the literature in individuals affected with HYAL1-related conditions. Algorithms developed to predict the effect of missense changes on protein structure and function (SIFT, PolyPhen-2, Align-GVGD) all suggest that this variant is likely to be tolerated. In summary, the available evidence is currently insufficient to determine the role of this variant in disease. Therefore, it has been classified as a Variant of Uncertain Significance.